The following is an entry in ClinVar:

NM_000548.5(TSC2):c.5180A>G (p.His1727Arg)

Gene: TSC2 (TSC complex subunit 2; plus strand). Cytogenetic location: 16p13.3.
Variant type: single nucleotide variant.
Coding change: c.5180A>G on transcript NM_000548.5 (MANE Select); coding-DNA position 5180, A replaced by G.
Protein change: p.His1727Arg; replaces histidine 1727 with arginine.
Molecular consequence: missense variant.
Genome position (GRCh38, 1-based): chr16:2,088,246, A>G. VCF-style: chr16-2088246-A-G. GRCh37 (hg19) VCF-style: chr16-2138247-A-G.
Other names: c.4979A>G, p.His1660Arg (NM_001077183.3); c.5111A>G, p.His1704Arg (NM_001114382.3); c.4871A>G, p.His1624Arg (NM_001318827.2); c.4835A>G, p.His1612Arg (NM_001318829.2); c.4448A>G, p.His1483Arg (NM_001318831.2); c.5012A>G, p.His1671Arg (NM_001318832.2); c.4982A>G, p.His1661Arg (NM_001363528.2); c.5048A>G, p.His1683Arg (NM_001370404.1); and 2 more; short protein forms H1483R, H1612R, H1683R, H1684R, H1624R, H1660R, H1661R, H1671R.
Identifiers: ClinVar variation 659658 (VCV000659658.19), dbSNP rs1596460080, ClinGen allele CA394314093.

ClinVar aggregate classification (germline): Uncertain significance. Review status: criteria provided, multiple submitters, no conflicts (2 of 4 stars). 3 submissions from 3 submitters: Uncertain significance (3). Last evaluated 2025-09-08.

Conditions:
Hereditary cancer-predisposing syndrome. Also called: Neoplastic Syndromes, Hereditary; Hereditary neoplastic syndrome; Hereditary Cancer Syndrome; Tumor predisposition. Identifiers: Orphanet 140162, MedGen C0027672, MeSH D009386, MONDO:0015356.
Tuberous sclerosis 2 (TSC2). Identifiers: Orphanet 805, MedGen C1860707, MONDO:0013199, OMIM 613254.

Submissions (3):

Ambry Genetics
Classification: Uncertain significance for Hereditary cancer-predisposing syndrome. Last evaluated: 2025-09-08. Review status: criteria provided, single submitter. Criteria: Ambry Variant Classification Scheme 2023. Collection method: clinical testing. Allele origin: germline.
Comment: The p.H1727R variant (also known as c.5180A>G), located in coding exon 40 of the TSC2 gene, results from an A to G substitution at nucleotide position 5180. The histidine at codon 1727 is replaced by arginine, an amino acid with highly similar properties. This amino acid position is not well conserved in available vertebrate species. In addition, this alteration is predicted to be deleterious by in silico analysis. Based on the available evidence, the clinical significance of this alteration remains unclear.

Labcorp Genetics (formerly Invitae), Labcorp
Classification: Uncertain significance for Tuberous sclerosis 2. Last evaluated: 2025-04-08. Review status: criteria provided, single submitter. Criteria: Invitae Variant Classification Sherloc (09022015). Collection method: clinical testing. Allele origin: germline.
Comment: This sequence change replaces histidine, which is basic and polar, with arginine, which is basic and polar, at codon 1727 of the TSC2 protein (p.His1727Arg). This variant is not present in population databases (gnomAD no frequency). This variant has not been reported in the literature in individuals affected with TSC2-related conditions. ClinVar contains an entry for this variant (Variation ID: 659658). Invitae Evidence Modeling of protein sequence and biophysical properties (such as structural, functional, and spatial information, amino acid conservation, physicochemical variation, residue mobility, and thermodynamic stability) indicates that this missense variant is not expected to disrupt TSC2 protein function with a negative predictive value of 95%. In summary, the available evidence is currently insufficient to determine the role of this variant in disease. Therefore, it has been classified as a Variant of Uncertain Significance.

Genome-Nilou Lab
Classification: Uncertain significance for Tuberous sclerosis 2. Last evaluated: 2021-11-07. Review status: criteria provided, single submitter. Criteria: ACMG Guidelines, 2015. Collection method: clinical testing. Allele origin: germline. Affected: no.